The following is an entry in ClinVar:

ClinVar aggregate classification (germline): Uncertain significance. Review status: criteria provided, multiple submitters, no conflicts (2 of 4 stars). 5 submissions from 3 submitters: Uncertain significance (5). Last evaluated 2017-04-27.

Conditions:
Maturity-onset diabetes of the young type 13. Also called: MODY, TYPE 13. Identifiers: Orphanet 552, MedGen C4225365, MONDO:0014589, OMIM 616329.
Maturity-onset diabetes of the young (MODY). Also called: Maturity onset diabetes mellitus in young. Identifiers: Orphanet 552, MedGen C0342276, MONDO:0018911, HP:0004904.
Diabetes mellitus, transient neonatal, 3 (TNDM3). Identifiers: Orphanet 99886, MedGen C1864623, MONDO:0012522, OMIM 610582. Disease mechanism: loss of function.
Hyperinsulinemic hypoglycemia, familial, 2. Also called: HYPERINSULINEMIC HYPOGLYCEMIA, PERSISTENT; HYPERINSULINISM, NEONATAL. Identifiers: Orphanet 276580, Orphanet 276603, MedGen C2931833, MONDO:0011153, OMIM 601820. Disease mechanism: loss of function.

Allele frequency attached by ClinVar (database versions not stated): gnomAD 0.00001; TOPMed 0.00001.

Submissions (5):

Illumina Laboratory Services, Illumina
Classification: Uncertain significance for Maturity-onset diabetes of the young type 13. Last evaluated: 2017-04-27. Review status: criteria provided, single submitter. Criteria: ICSL Variant Classification Criteria 13 December 2019. Collection method: clinical testing. Allele origin: germline.

Illumina Laboratory Services, Illumina
Classification: Uncertain significance for Hyperinsulinemic hypoglycemia, familial, 2. Last evaluated: 2017-04-27. Review status: criteria provided, single submitter. Criteria: ICSL Variant Classification Criteria 13 December 2019. Collection method: clinical testing. Allele origin: germline.

Illumina Laboratory Services, Illumina
Classification: Uncertain significance for Diabetes mellitus, transient neonatal, 3. Last evaluated: 2017-04-27. Review status: criteria provided, single submitter. Criteria: ICSL Variant Classification Criteria 13 December 2019. Collection method: clinical testing. Allele origin: germline.

Genetic Services Laboratory, University of Chicago
Classification: Uncertain significance. Last evaluated: 2013-02-08. Review status: criteria provided, single submitter. Criteria: ACMG Guidelines, 2007. Collection method: clinical testing. Allele origin: germline.

Clinical Genomics, Uppaluri K&H Personalized Medicine Clinic
Classification: Uncertain significance for Maturity-onset diabetes of the young. Review status: criteria provided, single submitter. Criteria: K&H Uppaluri Personalized Medicine Clinic Variant Classification & Assertion Criteria. Collection method: research. Allele origin: somatic. Inheritance: Autosomal dominant inheritance.
Comment: Mutations in KCNJ11 gene can cause decreased production and secretion of insulin. This can lead to MODY which may be responsive to oral sulfonylureas. It is also associated with Neonatal Diabetes. However, no sufficient evidence is found to ascertain the role of rs797045635 variant in MODY yet.

Literature cited by the submitters: PubMed 26448950 (cited by Clinical Genomics, Uppaluri K&H Personalized Medicine Clinic); PubMed 15580558 (cited by Clinical Genomics, Uppaluri K&H Personalized Medicine Clinic); PubMed 15718250 (cited by Clinical Genomics, Uppaluri K&H Personalized Medicine Clinic); PubMed 27118464 (cited by Clinical Genomics, Uppaluri K&H Personalized Medicine Clinic).

NM_000525.4(KCNJ11):c.1064T>C (p.Leu355Pro)

Gene: KCNJ11 (potassium inwardly rectifying channel subfamily J member 11; minus strand). Cytogenetic location: 11p15.1.
Variant type: single nucleotide variant.
Coding change: c.1064T>C on transcript NM_000525.4 (MANE Select); coding-DNA position 1064, T replaced by C.
Protein change: p.Leu355Pro; replaces leucine 355 with proline.
Molecular consequence: missense variant.
Genome position (GRCh38, 1-based): chr11:17,387,028, A>G on the plus strand (T>C on the coding strand, the complement: KCNJ11 is on the minus strand). VCF-style: chr11-17387028-A-G. GRCh37 (hg19) VCF-style: chr11-17408575-A-G.
Other names: c.803T>C, p.Leu268Pro (NM_001166290.2, NM_001377296.1, NM_001377297.1); short protein forms L355P, L268P.
Identifiers: ClinVar variation 211220 (VCV000211220.10), dbSNP rs797045635, ClinGen allele CA205900.